The following is an entry in ClinVar:

NM_017838.4(NHP2):c.116C>A (p.Ala39Asp)

Gene: NHP2 (NHP2 ribonucleoprotein; minus strand). Cytogenetic location: 5q35.3.
Variant type: single nucleotide variant.
Coding change: c.116C>A on transcript NM_017838.4 (MANE Select); coding-DNA position 116, C replaced by A.
Protein change: p.Ala39Asp; replaces alanine 39 with aspartic acid.
Molecular consequence: missense variant.
Genome position (GRCh38, 1-based): chr5:178,153,702, G>T on the plus strand (C>A on the coding strand, the complement: NHP2 is on the minus strand). VCF-style: chr5-178153702-G-T. GRCh37 (hg19) VCF-style: chr5-177580703-G-T.
Other names: c.116C>A, p.Ala39Asp (NM_001034833.2); short protein forms A39D.
Identifiers: ClinVar variation 960551 (VCV000960551.9), dbSNP rs1439650238, ClinGen allele CA362392865.

ClinVar aggregate classification (germline): Uncertain significance (1 of 4 stars; one submission).

Conditions:
Dyskeratosis congenita. Identifiers: Orphanet 1775, MedGen C0265965, MONDO:0015780.

Allele frequency attached by ClinVar (database versions not stated): gnomAD exomes below 0.00001.
gnomAD v4.1: 1 of 1,614,042 alleles (0.000062%); highest among the groups gnomAD compares: Non-Finnish European, 0.000085%; no homozygotes.

Submission:

Labcorp Genetics (formerly Invitae), Labcorp
Classification: Uncertain significance for Dyskeratosis congenita. Last evaluated: 2022-06-03. Review status: criteria provided, single submitter. Criteria: Invitae Variant Classification Sherloc (09022015). Collection method: clinical testing. Allele origin: germline.
Comment: In summary, the available evidence is currently insufficient to determine the role of this variant in disease. Therefore, it has been classified as a Variant of Uncertain Significance. Algorithms developed to predict the effect of missense changes on protein structure and function are either unavailable or do not agree on the potential impact of this missense change (SIFT: "Deleterious"; PolyPhen-2: "Probably Damaging"; Align-GVGD: "Class C0"). ClinVar contains an entry for this variant (Variation ID: 960551). This variant has not been reported in the literature in individuals affected with NHP2-related conditions. This variant is not present in population databases (gnomAD no frequency). This sequence change replaces alanine, which is neutral and non-polar, with aspartic acid, which is acidic and polar, at codon 39 of the NHP2 protein (p.Ala39Asp).